The following is an entry in ClinVar:

ClinVar aggregate classification (germline): Uncertain significance. Review status: criteria provided, multiple submitters, no conflicts (2 of 4 stars). 2 submissions from 2 submitters: Uncertain significance (2). Last evaluated 2022-09-19.

Conditions:
Myoclonic epilepsy, juvenile, susceptibility to, 1. Also called: Myoclonic Epilepsy, Juvenile, 1; EJM1. Identifiers: MedGen C1850778, MONDO:0020752, OMIM 254770.
Absence seizure. Also called: Absence epilepsy. Identifiers: Orphanet 1941, MedGen C0014553.
Juvenile myoclonic epilepsy (EJM). Also called: JANZ SYNDROME; PETIT MAL, IMPULSIVE. Identifiers: Orphanet 307, MedGen C0270853, MONDO:0009696.

Allele frequency attached by ClinVar (database versions not stated): ESP Exome Variant Server 0.00008; gnomAD 0.00011 and 0.00012; TOPMed 0.00011; gnomAD exomes 0.00015 and 0.00016; ExAC 0.00021.
gnomAD v4.1: 246 of 1,614,026 alleles (0.015%); highest among the groups gnomAD compares: Non-Finnish European, 0.02%; no homozygotes.

Submissions (2):

Labcorp Genetics (formerly Invitae), Labcorp
Classification: Uncertain significance for Myoclonic epilepsy, juvenile, susceptibility to, 1; Absence seizure. Last evaluated: 2022-09-19. Review status: criteria provided, single submitter. Criteria: Invitae Variant Classification Sherloc (09022015). Collection method: clinical testing. Allele origin: germline.
Comment: This sequence change replaces valine, which is neutral and non-polar, with leucine, which is neutral and non-polar, at codon 273 of the EFHC1 protein (p.Val273Leu). This variant is present in population databases (rs369926953, gnomAD 0.03%). In summary, the available evidence is currently insufficient to determine the role of this variant in disease. Therefore, it has been classified as a Variant of Uncertain Significance. Advanced modeling of protein sequence and biophysical properties (such as structural, functional, and spatial information, amino acid conservation, physicochemical variation, residue mobility, and thermodynamic stability) performed at Invitae indicates that this missense variant is not expected to disrupt EFHC1 protein function. ClinVar contains an entry for this variant (Variation ID: 205391). This variant has not been reported in the literature in individuals affected with EFHC1-related conditions.

GeneDx
Classification: Uncertain significance. Last evaluated: 2014-09-18. Review status: criteria provided, single submitter. Criteria: GeneDx Variant Classification (06012015). Collection method: clinical testing. Allele origin: germline. Affected: yes.
Comment: p.Val273Leu (GTG>TTG): c.817 G>T in exon 5 of the EFHC1 gene (NM_018100.3). The V273L variant has not been published as a mutation, nor has it been reported as a benign polymorphism to our knowledge. It was not observed with any significant frequency in approximately 6,500 individuals of European and African American ancestry in the NHLBI Exome Sequencing Project. The V273L variant is a conservative amino acid substitution, which is not likely to impact secondary protein structure as these residues share similar properties. However, this substitution occurs at a position that is conserved across species, and in silico analysis is inconsistent in its predictions as to whether or not the variant is damaging to the protein structure/function. Therefore, based on the currently available information, it is unclear whether this variant is a pathogenic mutation or a rare benign variant. The variant is found in EPILEPSY panel(s).

NM_018100.4(EFHC1):c.817G>T (p.Val273Leu)

Gene: EFHC1 (EF-hand domain containing 1; plus strand). Cytogenetic location: 6p12.2.
Variant type: single nucleotide variant.
Coding change: c.817G>T on transcript NM_018100.4 (MANE Select); coding-DNA position 817, G replaced by T.
Protein change: p.Val273Leu; replaces valine 273 with leucine.
Molecular consequence: missense variant. On other transcripts: non-coding transcript variant (1).
Genome position (GRCh38, 1-based): chr6:52,454,188, G>T. VCF-style: chr6-52454188-G-T. GRCh37 (hg19) VCF-style: chr6-52318986-G-T.
Other names: p.V273L:GTG>TTG; c.760G>T, p.Val254Leu (NM_001172420.2); short protein forms V273L, V254L.
Identifiers: ClinVar variation 205391 (VCV000205391.15), dbSNP rs369926953, ClinGen allele CA314418.
Genomic context (GRCh38, chr6:52,454,188, plus strand): 5'-GACAGCATGTATGGTGAATGTCGGACCTACATCATTCATTACTATCTTATGGATGATACG[G>T]TGGAAATTCGAGAGGTCCACGAACGGAATGATGGGAGAGATCCTTTCCCACTCCTAATGA-3'
Protein context (NP_060570.2, residues 263-283): IIHYYLMDDT[Val273Leu]EIREVHERND